The following is an entry in ClinVar:

NM_000179.3(MSH6):c.1604A>G (p.Tyr535Cys)

Gene: MSH6 (mutS homolog 6; plus strand). Cytogenetic location: 2p16.3.
Variant type: single nucleotide variant.
Coding change: c.1604A>G on transcript NM_000179.3 (MANE Select); coding-DNA position 1604, A replaced by G.
Protein change: p.Tyr535Cys; replaces tyrosine 535 with cysteine.
Molecular consequence: missense variant.
Genome position (GRCh38, 1-based): chr2:47,799,587, A>G. VCF-style: chr2-47799587-A-G. GRCh37 (hg19) VCF-style: chr2-48026726-A-G.
Other names: c.1214A>G, p.Tyr405Cys (NM_001281492.2); c.698A>G, p.Tyr233Cys (NM_001281493.2, NM_001281494.2); short protein forms Y535C, Y233C, Y405C.
Identifiers: ClinVar variation 655553 (VCV000655553.16), dbSNP rs376476188, ClinGen allele CA067894.

ClinVar aggregate classification (germline): Uncertain significance. Review status: criteria provided, multiple submitters, no conflicts (2 of 4 stars). 2 submissions from 2 submitters: Uncertain significance (2). Last evaluated 2023-08-23.

Conditions:
Hereditary nonpolyposis colorectal neoplasms. Identifiers: MedGen C0009405, MeSH D003123.
Hereditary cancer-predisposing syndrome. Also called: Hereditary neoplastic syndrome; Tumor predisposition; Neoplastic Syndromes, Hereditary; Hereditary Cancer Syndrome. Identifiers: Orphanet 140162, MedGen C0027672, MeSH D009386, MONDO:0015356.

Allele frequency attached by ClinVar (database versions not stated): gnomAD exomes below 0.00001; TOPMed below 0.00001; ExAC 0.00001; ESP Exome Variant Server 0.00008.
gnomAD v4.1: 2 of 1,614,180 alleles (0.00012%); highest among the groups gnomAD compares: Non-Finnish European, 0.00017%; no homozygotes.

Submissions (2):

Ambry Genetics
Classification: Uncertain significance for Hereditary cancer-predisposing syndrome. Last evaluated: 2023-08-23. Review status: criteria provided, single submitter. Criteria: Ambry Variant Classification Scheme 2023. Collection method: clinical testing. Allele origin: germline.
Comment: The p.Y535C variant (also known as c.1604A>G), located in coding exon 4 of the MSH6 gene, results from an A to G substitution at nucleotide position 1604. The tyrosine at codon 535 is replaced by cysteine, an amino acid with highly dissimilar properties. This amino acid position is not well conserved in available vertebrate species. In addition, this alteration is predicted to be tolerated by in silico analysis. Since supporting evidence is limited at this time, the clinical significance of this alteration remains unclear.

Labcorp Genetics (formerly Invitae), Labcorp
Classification: Uncertain significance for Hereditary nonpolyposis colorectal neoplasms. Last evaluated: 2021-05-13. Review status: criteria provided, single submitter. Criteria: Invitae Variant Classification Sherloc (09022015). Collection method: clinical testing. Allele origin: germline.
Comment: In summary, the available evidence is currently insufficient to determine the role of this variant in disease. Therefore, it has been classified as a Variant of Uncertain Significance. An algorithm developed specifically for the MSH6 gene suggests that this missense change is likely to be deleterious (PMID: 23621914). However, this prediction has not been confirmed by published functional studies and its clinical significance is uncertain. This variant has not been reported in the literature in individuals with MSH6-related conditions. ClinVar contains an entry for this variant (Variation ID: 655553). This variant is present in population databases (rs376476188, ExAC no frequency). This sequence change replaces tyrosine with cysteine at codon 535 of the MSH6 protein (p.Tyr535Cys). The tyrosine residue is weakly conserved and there is a large physicochemical difference between tyrosine and cysteine.

Literature cited by the submitters: PubMed 23621914 (cited by Labcorp Genetics (formerly Invitae), Labcorp).